The following is an entry in ClinVar:

ClinVar aggregate classification (germline): Uncertain significance. Review status: criteria provided, multiple submitters, no conflicts (2 of 4 stars). 2 submissions from 2 submitters: Uncertain significance (2). Last evaluated 2025-08-31.

gnomAD v4.1: 20 of 1,614,194 alleles (0.0012%); highest among the groups gnomAD compares: East Asian, 0.045%; no homozygotes.

Submissions (2):

Labcorp Genetics (formerly Invitae), Labcorp
Classification: Uncertain significance. Last evaluated: 2025-08-31. Review status: criteria provided, single submitter. Criteria: Invitae Variant Classification Sherloc (09022015). Collection method: clinical testing. Allele origin: germline.
Comment: This sequence change replaces serine, which is neutral and polar, with threonine, which is neutral and polar, at codon 465 of the ARHGEF10 protein (p.Ser465Thr). This variant is present in population databases (rs199763780, gnomAD 0.08%), and has an allele count higher than expected for a pathogenic variant. This variant has not been reported in the literature in individuals affected with ARHGEF10-related conditions. ClinVar contains an entry for this variant (Variation ID: 3312677). Invitae Evidence Modeling of protein sequence and biophysical properties (such as structural, functional, and spatial information, amino acid conservation, physicochemical variation, residue mobility, and thermodynamic stability) indicates that this missense variant is not expected to disrupt ARHGEF10 protein function with a negative predictive value of 80%. In summary, the available evidence is currently insufficient to determine the role of this variant in disease. Therefore, it has been classified as a Variant of Uncertain Significance.

Ambry Genetics
Classification: Uncertain significance. Last evaluated: 2024-06-19. Review status: criteria provided, single submitter. Criteria: Ambry Variant Classification Scheme 2023. Collection method: clinical testing. Allele origin: germline.

NM_014629.4(ARHGEF10):c.1393T>A (p.Ser465Thr)

Gene: ARHGEF10 (Rho guanine nucleotide exchange factor 10; plus strand). Cytogenetic location: 8p23.3.
Variant type: single nucleotide variant.
Coding change: c.1393T>A on transcript NM_014629.4 (MANE Select); coding-DNA position 1393, T replaced by A.
Protein change: p.Ser465Thr; replaces serine 465 with threonine.
Molecular consequence: missense variant.
Genome position (GRCh38, 1-based): chr8:1,894,525, T>A. VCF-style: chr8-1894525-T-A. GRCh37 (hg19) VCF-style: chr8-1842691-T-A.
Other names: c.1279T>A, p.Ser427Thr (NM_001308152.2); c.1396T>A, p.Ser466Thr (NM_001308153.3); short protein forms S465T, S427T, S490T, S466T.
Identifiers: ClinVar variation 3312677 (VCV003312677.2).